The following is an entry in ClinVar:

NM_015662.3(IFT172):c.1555A>T (p.Lys519Ter)

Gene: IFT172 (intraflagellar transport 172; minus strand). Cytogenetic location: 2p23.3.
Variant type: single nucleotide variant.
Coding change: c.1555A>T on transcript NM_015662.3 (MANE Select); coding-DNA position 1555, A replaced by T.
Protein change: p.Lys519Ter; replaces lysine 519 with a stop codon.
Molecular consequence: nonsense.
Genome position (GRCh38, 1-based): chr2:27,471,065, T>A on the plus strand (A>T on the coding strand, the complement: IFT172 is on the minus strand). VCF-style: chr2-27471065-T-A. GRCh37 (hg19) VCF-style: chr2-27693932-T-A.
Other names: short protein forms K519*.
Identifiers: ClinVar variation 2016015 (VCV002016015.4), dbSNP rs1375216897, ClinGen allele CA346390529.

ClinVar aggregate classification (germline): Pathogenic (1 of 4 stars; one submission).

Conditions:
Retinitis pigmentosa 71 (RP71). Identifiers: Orphanet 791, MedGen C4225342, MONDO:0014618, OMIM 616394.
Short-rib thoracic dysplasia 10 with or without polydactyly (SRTD10). Identifiers: Orphanet 474, MedGen C3810175, MONDO:0014284, OMIM 615630.

Submission:

Labcorp Genetics (formerly Invitae), Labcorp
Classification: Pathogenic for Retinitis pigmentosa 71; Short-rib thoracic dysplasia 10 with or without polydactyly. Last evaluated: 2022-07-11. Review status: criteria provided, single submitter. Criteria: Invitae Variant Classification Sherloc (09022015). Collection method: clinical testing. Allele origin: germline.
Comment: For these reasons, this variant has been classified as Pathogenic. Algorithms developed to predict the effect of sequence changes on RNA splicing suggest that this variant may disrupt the consensus splice site. This variant has not been reported in the literature in individuals affected with IFT172-related conditions. This variant is not present in population databases (gnomAD no frequency). This sequence change creates a premature translational stop signal (p.Lys519*) in the IFT172 gene. It is expected to result in an absent or disrupted protein product. Loss-of-function variants in IFT172 are known to be pathogenic (PMID: 24140113).

Literature cited by the submitters: PubMed 24140113.